The following is an entry in ClinVar:

NM_006231.4(POLE):c.3276G>C (p.Arg1092Ser)

Gene: POLE (DNA polymerase epsilon, catalytic subunit; minus strand). Cytogenetic location: 12q24.33.
Variant type: single nucleotide variant.
Coding change: c.3276G>C on transcript NM_006231.4 (MANE Select); coding-DNA position 3276, G replaced by C.
Protein change: p.Arg1092Ser; replaces arginine 1092 with serine.
Molecular consequence: missense variant.
Genome position (GRCh38, 1-based): chr12:132,657,970, C>G on the plus strand (G>C on the coding strand, the complement: POLE is on the minus strand). VCF-style: chr12-132657970-C-G. GRCh37 (hg19) VCF-style: chr12-133234556-C-G.
Other names: c.3276G>C (NM_006231.2); short protein forms R1092S.
Identifiers: ClinVar variation 949081 (VCV000949081.10), dbSNP rs2042584379, ClinGen allele CA387389907.

ClinVar aggregate classification (germline): Uncertain significance. Review status: criteria provided, multiple submitters, no conflicts (2 of 4 stars). 2 submissions from 2 submitters: Uncertain significance (2). Last evaluated 2024-06-07.

Conditions:
Hereditary cancer-predisposing syndrome. Also called: Hereditary neoplastic syndrome; Neoplastic Syndromes, Hereditary; Tumor predisposition; Hereditary Cancer Syndrome. Identifiers: Orphanet 140162, MedGen C0027672, MeSH D009386, MONDO:0015356.

Allele frequency attached by ClinVar (database versions not stated): gnomAD exomes 0.00001.
gnomAD v4.1: 7 of 1,607,216 alleles (0.00044%); highest among the groups gnomAD compares: Non-Finnish European, 0.0006%; no homozygotes.

Submissions (2):

Ambry Genetics
Classification: Uncertain significance for Hereditary cancer-predisposing syndrome. Last evaluated: 2024-06-07. Review status: criteria provided, single submitter. Criteria: Ambry Variant Classification Scheme 2023. Collection method: clinical testing. Allele origin: germline.
Comment: The p.R1092S variant (also known as c.3276G>C) is located in coding exon 27 of the POLE gene. The arginine at codon 1092 is replaced by serine, an amino acid with dissimilar properties. This change occurs in the first base pair of coding exon 27. This amino acid position is conserved. In addition, the in silico prediction for this alteration is inconclusive. Based on the available evidence, the clinical significance of this variant remains unclear.

Labcorp Genetics (formerly Invitae), Labcorp
Classification: Uncertain significance. Last evaluated: 2024-01-07. Review status: criteria provided, single submitter. Criteria: Invitae Variant Classification Sherloc (09022015). Collection method: clinical testing. Allele origin: germline.
Comment: This sequence change replaces arginine, which is basic and polar, with serine, which is neutral and polar, at codon 1092 of the POLE protein (p.Arg1092Ser). This variant is not present in population databases (gnomAD no frequency). This variant has not been reported in the literature in individuals affected with POLE-related conditions. ClinVar contains an entry for this variant (Variation ID: 949081). An algorithm developed to predict the effect of missense changes on protein structure and function (PolyPhen-2) suggests that this variant is likely to be disruptive. In summary, the available evidence is currently insufficient to determine the role of this variant in disease. Therefore, it has been classified as a Variant of Uncertain Significance.